The following is an entry in ClinVar:

NM_002618.4(PEX13):c.1058A>T (p.Gln353Leu)

Gene: PEX13 (peroxisomal biogenesis factor 13; plus strand). Cytogenetic location: 2p15.
Variant type: single nucleotide variant.
Coding change: c.1058A>T on transcript NM_002618.4 (MANE Select); coding-DNA position 1058, A replaced by T.
Protein change: p.Gln353Leu; replaces glutamine 353 with leucine.
Molecular consequence: missense variant.
Genome position (GRCh38, 1-based): chr2:61,048,616, A>T. VCF-style: chr2-61048616-A-T. GRCh37 (hg19) VCF-style: chr2-61275751-A-T.
Other names: short protein forms Q353L.
Identifiers: ClinVar variation 2008075 (VCV002008075.4), dbSNP rs755510406, ClinGen allele CA346949939.
Genomic context (GRCh38, chr2:61,048,616, plus strand): 5'-TTCTTGGCAAAAGAAAAGGTAGGAAAACGGTGGAATCAAGTAAAGTTTCCAAGCAGCAAC[A>T]ATCTTTTACCAACCCAACACTAACTAAAGGAGCCACGGTTGCTGATTCTTTGGATGAACA-3'
Protein context (NP_002609.1, residues 343-363): VESSKVSKQQ[Gln353Leu]SFTNPTLTKG

ClinVar aggregate classification (germline): Uncertain significance (1 of 4 stars; one submission).

Conditions:
Peroxisome biogenesis disorder 11A (Zellweger). Also called: Peroxisome biogenesis disorder 11A. Identifiers: Orphanet 912, MedGen C3554000, MONDO:0013949, OMIM 614883.

gnomAD v4.1: 6 of 1,614,044 alleles (0.00037%); highest among the groups gnomAD compares: African/African-American, 0.0027%; no homozygotes.

Submission:

Labcorp Genetics (formerly Invitae), Labcorp
Classification: Uncertain significance for Peroxisome biogenesis disorder 11A (Zellweger). Last evaluated: 2023-07-10. Review status: criteria provided, single submitter. Criteria: Invitae Variant Classification Sherloc (09022015). Collection method: clinical testing. Allele origin: germline.
Comment: In summary, the available evidence is currently insufficient to determine the role of this variant in disease. Therefore, it has been classified as a Variant of Uncertain Significance. This sequence change replaces glutamine, which is neutral and polar, with leucine, which is neutral and non-polar, at codon 353 of the PEX13 protein (p.Gln353Leu). This variant is not present in population databases (gnomAD no frequency). This variant has not been reported in the literature in individuals affected with PEX13-related conditions. ClinVar contains an entry for this variant (Variation ID: 2008075). Advanced modeling of protein sequence and biophysical properties (such as structural, functional, and spatial information, amino acid conservation, physicochemical variation, residue mobility, and thermodynamic stability) performed at Invitae indicates that this missense variant is not expected to disrupt PEX13 protein function.